The following is an entry in ClinVar:

ClinVar aggregate classification (germline): Uncertain significance (1 of 4 stars; one submission).

Conditions:
Hereditary cancer-predisposing syndrome. Also called: Hereditary Cancer Syndrome; Hereditary neoplastic syndrome; Neoplastic Syndromes, Hereditary; Tumor predisposition. Identifiers: Orphanet 140162, MedGen C0027672, MeSH D009386, MONDO:0015356.

gnomAD v4.1: 1 of 1,611,452 alleles (0.000062%); highest among the groups gnomAD compares: South Asian, 0.0011%; no homozygotes.

Submission:

Ambry Genetics
Classification: Uncertain significance for Hereditary cancer-predisposing syndrome. Last evaluated: 2025-08-15. Review status: criteria provided, single submitter. Criteria: Ambry Variant Classification Scheme 2023. Collection method: clinical testing. Allele origin: germline.
Comment: The p.K88T variant (also known as c.263A>C), located in coding exon 3 of the FANCC gene, results from an A to C substitution at nucleotide position 263. The lysine at codon 88 is replaced by threonine, an amino acid with similar properties. This amino acid position is conserved. In addition, the in silico prediction for this alteration is inconclusive. Based on the available evidence, the clinical significance of this variant remains unclear.

NM_000136.3(FANCC):c.263A>C (p.Lys88Thr)

Gene: FANCC (FA complementation group C; minus strand). Cytogenetic location: 9q22.32.
Variant type: single nucleotide variant.
Coding change: c.263A>C on transcript NM_000136.3 (MANE Select); coding-DNA position 263, A replaced by C.
Protein change: p.Lys88Thr; replaces lysine 88 with threonine.
Molecular consequence: missense variant.
Genome position (GRCh38, 1-based): chr9:95,240,731, T>G on the plus strand (A>C on the coding strand, the complement: FANCC is on the minus strand). VCF-style: chr9-95240731-T-G. GRCh37 (hg19) VCF-style: chr9-98003013-T-G.
Other names: c.263A>C, p.Lys88Thr (NM_001243743.2, NM_001243744.2); short protein forms K88T.
Identifiers: ClinVar variation 4254393 (VCV004254393.1).
Genomic context (GRCh38, chr9:95,240,731, plus strand): 5'-GATTGTCCAGAATTCTGTGGTTCTTTGTTAATTAGACAACATAAGCACCATATTAGAATT[T>G]TTTGGCTTTCATCTACAAAAAGGAAAACTTAATAAGTTTTATCAAGCAGAAAAAATCATT-3'
Protein context (NP_000127.2, residues 78-98): PFILAYDESQ[Lys88Thr]ILIWCLCCLI